The following is an entry in ClinVar:

ClinVar aggregate classification (germline): Likely benign. Review status: reviewed by expert panel (3 of 4 stars). 15 submissions from 15 submitters: Likely benign (1). 14 of the submissions do not count toward it. Last evaluated 2025-11-11.

Conditions:
Cardiovascular phenotype. Identifiers: MedGen CN230736.
Ventricular fibrillation. Identifiers: MedGen C0042510, MONDO:0000190, HP:0001663.
Cardiomyopathy (CMYO). Also called: Cardiomyopathies. Identifiers: Orphanet 167848, MedGen C0878544, MONDO:0004994, HP:0001638. Inheritance: Various modes of inheritance.
Hypertrophic cardiomyopathy 1 (CMH1). Also called: Familial hypertrophic cardiomyopathy 1; MYH7-Related Familial Hypertrophic Cardiomyopathy. Identifiers: MedGen C3495498, MONDO:0008647, OMIM 192600.
Dilated cardiomyopathy 1S (CMD1S). Identifiers: Orphanet 154, Orphanet 54260, MedGen C1834481, MONDO:0013262, OMIM 613426.
MYH7-related disorder. Also called: MYH7-related disorders; MYH7-related condition; MYH7-related disease.
Primary familial hypertrophic cardiomyopathy (HCM). Identifiers: Orphanet 99739, MedGen C0949658, MeSH D024741, MONDO:0024573. Inheritance: Various modes of inheritance.
Hypertrophic cardiomyopathy. Also called: HYPERTROPHIC MYOCARDIOPATHY. Identifiers: Orphanet 217569, MedGen C0007194, MeSH D002312, MONDO:0005045, HP:0001639.

Allele frequency attached by ClinVar (database versions not stated): ExAC 0.00006; TOPMed 0.00038; ESP Exome Variant Server 0.00046; gnomAD exomes 0.00006 and 0.00005; gnomAD 0.00031 and 0.00034.
gnomAD v4.1: 128 of 1,614,080 alleles (0.0079%); highest among the groups gnomAD compares: African/African-American, 0.099%; 1 homozygote.

Submissions (15):

ClinGen Cardiomyopathy Variant Curation Expert Panel
Classification: Likely benign for Hypertrophic cardiomyopathy. Last evaluated: 2025-11-11. Review status: reviewed by expert panel. Criteria: ClinGen CMP ACMG Specifications MYH7 V2.0.0. Collection method: curation. Allele origin: germline. Inheritance: Autosomal dominant inheritance.
Comment: The c.4909G>A (p.Ala1637Thr) variant in MYH7 has been observed in 0.060% (FAF 95% CI; 22/24960) of African chromosomes in gnomAD v2.1.1, which is a high enough frequency to be classified as likely benign based on thresholds defined by the ClinGen Inherited Cardiomyopathy Expert Panel (BS1; Kelly 2018 PMID:29300372). Additionally, computational prediction tools and conservation analysis suggest that this variant may not impact the protein (BP4). In summary, this variant meets criteria to be classified as likely benign for cardiomyopathy in an autosomal dominant manner. MYH7-specific ACMG/AMP criteria applied (Kelly 2018 PMID:29300372): BS1, BP4

Labcorp Genetics (formerly Invitae), Labcorp
Classification: Uncertain significance for Hypertrophic cardiomyopathy. Last evaluated: 2026-01-21. Review status: criteria provided, single submitter. Criteria: Invitae Variant Classification Sherloc (09022015). Collection method: clinical testing. Allele origin: germline. Not counted in ClinVar's aggregate classification.
Comment: This sequence change replaces alanine, which is neutral and non-polar, with threonine, which is neutral and polar, at codon 1637 of the MYH7 protein (p.Ala1637Thr). This variant is present in population databases (rs141122361, gnomAD 0.09%). This missense change has been observed in individual(s) with hypertrophic cardiomyopathy (PMID: 20624503, 23782526, 27574918). ClinVar contains an entry for this variant (Variation ID: 43044). An algorithm developed to predict the effect of missense changes on protein structure and function outputs the following: PolyPhen-2: "Benign". The threonine amino acid residue is found in multiple mammalian species, which suggests that this missense change does not adversely affect protein function. In summary, the available evidence is currently insufficient to determine the role of this variant in disease. Therefore, it has been classified as a Variant of Uncertain Significance.

Color Diagnostics, LLC DBA Color Health
Classification: Likely benign for Cardiomyopathy. Last evaluated: 2025-12-11. Review status: criteria provided, single submitter. Criteria: ACMG Guidelines, 2015. Collection method: clinical testing. Allele origin: germline. Not counted in ClinVar's aggregate classification.

Revvity Omics, Revvity
Classification: Uncertain significance. Last evaluated: 2025-06-10. Review status: criteria provided, single submitter. Criteria: ACMG Guidelines, 2015. Collection method: clinical testing. Allele origin: germline. Not counted in ClinVar's aggregate classification.

Molecular Diagnostic Laboratory for Inherited Cardiovascular Disease, Montreal Heart Institute
Classification: Likely benign. Last evaluated: 2025-04-09. Review status: criteria provided, single submitter. Criteria: ACMG Guidelines, 2015. Collection method: clinical testing. Allele origin: germline. Affected: no. Not counted in ClinVar's aggregate classification.

All of Us Research Program, National Institutes of Health
Classification: Uncertain significance for Cardiomyopathy. Last evaluated: 2024-09-23. Review status: criteria provided, single submitter. Criteria: ACMG Guidelines, 2015. Collection method: clinical testing. Allele origin: germline. Inheritance: Autosomal dominant inheritance. Observed: 27 variant alleles, 27 heterozygotes. Not counted in ClinVar's aggregate classification.
Comment: This missense variant replaces alanine with threonine at codon 1637 of the MYH7 protein. Computational prediction is inconclusive regarding the impact of this variant on protein structure and function (internally defined REVEL score threshold 0.5 < inconclusive < 0.7, PMID: 27666373). To our knowledge, functional studies have not been reported for this variant. This variant has been reported in two individuals affected with hypertrophic cardiomyopathy (PMID: 20624503, 27574918). This variant has also been identified in 25/282810 chromosomes in the general population by the Genome Aggregation Database (gnomAD). The elevated variant allele frequency in the general population indicates that this variant may not be disease-causing. However, additional studies are necessary to determine the role of this variant in disease conclusively. Therefore, this variant is classified as a Variant of Uncertain Significance.

This study involves interpretation of variants in research participants for the purpose of population health screening. Participant phenotype was not available at the time of variant classification. Additional details can be found in publication PMID: 35346344, PMCID: PMC8962531

CHEO Genetics Diagnostic Laboratory, Children's Hospital of Eastern Ontario
Classification: Likely benign for Cardiomyopathy. Last evaluated: 2021-10-19. Review status: criteria provided, single submitter. Criteria: ACMG Guidelines, 2015. Collection method: clinical testing. Allele origin: germline. Not counted in ClinVar's aggregate classification.

New York Genome Center
Classification: Uncertain significance for Dilated cardiomyopathy 1S. Last evaluated: 2021-04-30. Review status: criteria provided, single submitter. Criteria: NYGC Assertion Criteria 2020. Collection method: clinical testing. Allele origin: inherited. Observed: 1 heterozygote. Study: CSER-NYCKidSeq. Not counted in ClinVar's aggregate classification.

Ambry Genetics
Classification: Likely benign for Cardiovascular phenotype. Last evaluated: 2020-07-20. Review status: criteria provided, single submitter. Criteria: Ambry Variant Classification Scheme 2023. Collection method: clinical testing. Allele origin: germline. Not counted in ClinVar's aggregate classification.

GeneDx
Classification: Likely benign. Last evaluated: 2020-03-09. Review status: criteria provided, single submitter. Criteria: GeneDx Variant Classification Process June 2021. Collection method: clinical testing. Allele origin: germline. Affected: yes. Not counted in ClinVar's aggregate classification.
Comment: This variant is associated with the following publications: (PMID: 24055113, 20800588, 20624503, 23299917, 25637381, 24510615, 22958901, 23782526, 23403236, 29300372)

Mendelics
Classification: Benign for Hypertrophic cardiomyopathy 1. Last evaluated: 2019-05-28. Review status: criteria provided, single submitter. Criteria: Mendelics Assertion Criteria 2017. Collection method: clinical testing. Allele origin: unknown. Not counted in ClinVar's aggregate classification.

Laboratory for Molecular Medicine, Mass General Brigham Personalized Medicine
Classification: Likely benign. Last evaluated: 2018-07-19. Review status: criteria provided, single submitter. Criteria: LMM Criteria. Collection method: clinical testing. Allele origin: germline. Observed: 4 variant alleles. Not counted in ClinVar's aggregate classification.
Comment: Ala1637Thr in exon34 of MYH7: This variant is not expected to have clinical sign ificance due to a lack of evolutionary conservation of the affected amino acid ( of note, 5 mammalian species have a threonine (Thr) at this position despite hig h nearby amino acid conservation). In addition, this variant was predicted to be benign using a computational tool clinically validated by our laboratory. This tool's benign prediction is estimated to be correct 89% of the time (Jordan 2011 ). It has also been identified in 5/10402 African American chromosomes by the Ex ome Aggregation Consortium (ExAC; dbSNP rs14112 2361).

Agnes Ginges Centre for Molecular Cardiology, Centenary Institute
Classification: Likely benign for Ventricular fibrillation. Last evaluated: 2017-11-21. Review status: criteria provided, single submitter. Criteria: ACMG Guidelines, 2015. Collection method: research. Allele origin: germline. Affected: yes. Not counted in ClinVar's aggregate classification.
Comment: The MYH7 Ala1637Thr variant has been previously reported in a HCM patient (Millat G et al., 2010), but has also been identified in a healthy control (Kapplinger JD, et al., 2014). The variant is present in the Exome Aggregation Consortium dataset at an allele frequency >0.000075, which is higher then expected for an inherited arrhythmia syndrome. In silico tools SIFT, PolyPhen2 and Polyphen-HCM predict this variant to be benign, however MutationTaster predicts this variant to be disease-causing. In summary, the variant is unlikely to be causing disease as it is present in the general population at an elevated frequency, has been identified in atleast 1 control and 3/4 in silico tools predict the variant to be benign, therefore we classify MYH7 Ala1637Thr as "likely benign".

CSER _CC_NCGL, University of Washington
Classification: Uncertain significance for Cardiomyopathy, hypertrophic. Last evaluated: 2014-06-01. Review status: criteria provided, single submitter. Criteria: Amendola et al. (Genome Res. 2015). Collection method: research. Allele origin: germline. Inheritance: Autosomal dominant inheritance. Study: ESP 6500 variant annotation. Not counted in ClinVar's aggregate classification.
Comment: Allele frequency may indicate a low penetrance or likely benign variant

Variants classified for the Actionable exomic incidental findings in 6503 participants: challenges of variant classification manuscript

PreventionGenetics, part of Exact Sciences
Classification: Likely benign for MYH7-related condition. Last evaluated: 2022-04-28. Review status: no assertion criteria provided. Collection method: clinical testing. Allele origin: germline. Not counted in ClinVar's aggregate classification.
Comment: This variant is classified as likely benign based on ACMG/AMP sequence variant interpretation guidelines (Richards et al. 2015 PMID: 25741868, with internal and published modifications).

Literature cited by the submitters: PubMed 29300372 (cited by ClinGen Cardiomyopathy Variant Curation Expert Panel and Ambry Genetics); PubMed 20624503 (cited by 5 submitters); PubMed 23782526 (cited by Labcorp Genetics (formerly Invitae), Labcorp); PubMed 27574918 (cited by 3 submitters); PubMed 22958901 (cited by Ambry Genetics); PubMed 23403236 (cited by Ambry Genetics); PubMed 24510615 (cited by Ambry Genetics and Agnes Ginges Centre for Molecular Cardiology, Centenary Institute).

NM_000257.4(MYH7):c.4909G>A (p.Ala1637Thr)

Genes: MHRT (myosin heavy chain associated RNA transcript; plus strand), MYH7 (myosin heavy chain 7; minus strand), LOC126861897 (BRD4-independent group 4 enhancer GRCh37_chr14:23884455-23885654; plus strand). Cytogenetic location: 14q11.2.
Variant type: single nucleotide variant.
Coding change: c.4909G>A on transcript NM_000257.4 (MANE Select); coding-DNA position 4909, G replaced by A.
Protein change: p.Ala1637Thr; replaces alanine 1637 with threonine.
Molecular consequence: missense variant. On other transcripts: non-coding transcript variant (1).
Genome position (GRCh38, 1-based): chr14:23,416,048, C>T on the plus strand (G>A on the coding strand, the complement: MYH7 is on the minus strand). VCF-style: chr14-23416048-C-T. GRCh37 (hg19) VCF-style: chr14-23885257-C-T.
Other names: p.A1637T:GCC>ACC; NM_000257.3(MYH7):c.4909G>A; NM_000257.4(MYH7):c.4909G>A; short protein forms A1637T.
Identifiers: ClinVar variation 43044 (VCV000043044.38), dbSNP rs141122361, ClinGen allele CA015454.